The following is an entry in ClinVar:

ClinVar aggregate classification (germline): Benign/Likely benign. Review status: criteria provided, multiple submitters, no conflicts (2 of 4 stars). 3 submissions from 3 submitters: Benign (1); Likely benign (2). Last evaluated 2025-06-12.

Conditions:
Glucocorticoid resistance. Also called: Glucocorticoid resistance, generalized; Gccr deficiency; Glucocorticoid receptor deficiency; Cortisol resistance from glucocorticoid receptor defect; Gcr deficiency. Identifiers: Orphanet 786, MedGen C1841972, MONDO:0014421, OMIM 615962.

Allele frequency attached by ClinVar (database versions not stated): ESP Exome Variant Server 0.00015; TOPMed 0.00098; gnomAD 0.00121; 1000 Genomes Project 30x 0.00609; 1000 Genomes Project 0.00639.

Submissions (10):

Labcorp Genetics (formerly Invitae), Labcorp
Classification: Benign. Last evaluated: 2025-06-12. Review status: criteria provided, single submitter. Criteria: Invitae Variant Classification Sherloc (09022015). Collection method: clinical testing. Allele origin: germline.

Fulgent Genetics
Classification: Likely benign for Glucocorticoid resistance. Last evaluated: 2021-07-22. Review status: criteria provided, single submitter. Criteria: ACMG Guidelines, 2015. Collection method: clinical testing. Allele origin: unknown.

Illumina Laboratory Services, Illumina
Classification: Likely benign for Glucocorticoid resistance. Last evaluated: 2018-01-12. Review status: criteria provided, single submitter. Criteria: ICSL Variant Classification Criteria 13 December 2019. Collection method: clinical testing. Allele origin: germline.
Comment: This variant was observed in the ICSL laboratory as part of a predisposition screen in an ostensibly healthy population. It had not been previously curated by ICSL or reported in the Human Gene Mutation Database (HGMD: prior to June 1st, 2018), and was therefore a candidate for classification through an automated scoring system. Utilizing variant allele frequency, disease prevalence and penetrance estimates, and inheritance mode, an automated score was calculated to assess if this variant is too frequent to cause the disease. Based on the score and internal cut-off values, a variant classified as likely benign is not then subjected to further curation. The score for this variant resulted in a classification of likely benign for this disease.

Dr. Peter K. Rogan Lab, Western University
No classification provided (evidence only). Condition: Uterine corpus endometrial carcinoma. Review status: no classification provided. Collection method: in vitro. Allele origin: not applicable. Functional consequence: retained intron. Not counted in ClinVar's aggregate classification.

Dr. Peter K. Rogan Lab, Western University
No classification provided (evidence only). Condition: Cervical cancer. Review status: no classification provided. Collection method: in vitro. Allele origin: not applicable. Functional consequence: retained intron. Not counted in ClinVar's aggregate classification.

Dr. Peter K. Rogan Lab, Western University
No classification provided (evidence only). Condition: Malignant tumor of esophagus. Review status: no classification provided. Collection method: in vitro. Allele origin: not applicable. Functional consequence: retained intron. Not counted in ClinVar's aggregate classification.

Dr. Peter K. Rogan Lab, Western University
No classification provided (evidence only). Condition: Malignant tumor of esophagus. Review status: no classification provided. Collection method: in vitro. Allele origin: not applicable. Functional consequence: retained intron. Not counted in ClinVar's aggregate classification.

Dr. Peter K. Rogan Lab, Western University
No classification provided (evidence only). Condition: Malignant tumor of esophagus. Review status: no classification provided. Collection method: in vitro. Allele origin: not applicable. Functional consequence: retained intron. Not counted in ClinVar's aggregate classification.

Dr. Peter K. Rogan Lab, Western University
No classification provided (evidence only). Condition: Hepatocellular carcinoma. Review status: no classification provided. Collection method: in vitro. Allele origin: not applicable. Functional consequence: retained intron. Not counted in ClinVar's aggregate classification.

Dr. Peter K. Rogan Lab, Western University
No classification provided (evidence only). Condition: Hepatocellular carcinoma. Review status: no classification provided. Collection method: in vitro. Allele origin: not applicable. Functional consequence: retained intron. Not counted in ClinVar's aggregate classification.

NM_000176.3(NR3C1):c.2182-9C>G

Gene: NR3C1 (nuclear receptor subfamily 3 group C member 1; minus strand). Cytogenetic location: 5q31.3.
Variant type: single nucleotide variant.
Coding change: c.2182-9C>G on transcript NM_000176.3 (MANE Select); 9 bases into the intron before coding-DNA position 2182, C replaced by G.
Molecular consequence: intron variant.
Genome position (GRCh38, 1-based): chr5:143,282,050, G>C on the plus strand (C>G on the coding strand, the complement: NR3C1 is on the minus strand). VCF-style: chr5-143282050-G-C. GRCh37 (hg19) VCF-style: chr5-142661615-G-C.
Other names: c.2182-9C>G (NM_001018075.1, NM_001018074.1, NM_001018077.1 and 4 more transcripts); c.2185-9C>G (NM_001364183.2, NM_001364184.2, NM_001024094.2 and 1 more transcripts); c.2181+518C>G (NM_001020825.2); c.2104-9C>G (NM_001204258.2); c.1927-9C>G (NM_001204259.2); c.1915-9C>G (NM_001204260.2); c.1891-9C>G (NM_001204261.2); c.1237-9C>G (NM_001204262.2); and 2 more.
Identifiers: ClinVar variation 351366 (VCV000351366.16), dbSNP rs72542757, ClinGen allele CA3486695.